The following is an entry in ClinVar:

NM_000059.4(BRCA2):c.5540C>A (p.Ala1847Asp)

Gene: BRCA2 (BRCA2 DNA repair associated; plus strand). Cytogenetic location: 13q13.1.
Variant type: single nucleotide variant.
Coding change: c.5540C>A on transcript NM_000059.4 (MANE Select); coding-DNA position 5540, C replaced by A.
Protein change: p.Ala1847Asp; replaces alanine 1847 with aspartic acid.
Molecular consequence: missense variant. On other transcripts: non-coding transcript variant (1), intron variant (2).
Genome position (GRCh38, 1-based): chr13:32,339,895, C>A. VCF-style: chr13-32339895-C-A. GRCh37 (hg19) VCF-style: chr13-32914032-C-A.
Other names: c.5540C>A, p.Ala1847Asp (NM_001406719.1, NM_001406720.1); c.1910-4663C>A (NM_001406721.1); c.425-4663C>A (NM_001406722.1); short protein forms A1847D.
Identifiers: ClinVar variation 2861602 (VCV002861602.3), dbSNP rs1566232630, ClinGen allele CA387785933.

ClinVar aggregate classification (germline): Uncertain significance (1 of 4 stars; one submission).

Conditions:
Hereditary breast ovarian cancer syndrome. Also called: Hereditary breast and ovarian cancer syndrome; Hereditary breast and/or ovarian cancer syndrome; BRCA1- and BRCA2-Associated Hereditary Breast and Ovarian Cancer; Hereditary breast and ovarian cancer syndrome (HBOC); Hereditary breast and ovarian cancer; Breast and ovarian cancer. Identifiers: Orphanet 145, MedGen C0677776, MeSH D061325, MONDO:0003582. Disease mechanism: loss of function.

Submission:

Labcorp Genetics (formerly Invitae), Labcorp
Classification: Uncertain significance for Hereditary breast ovarian cancer syndrome. Last evaluated: 2024-09-25. Review status: criteria provided, single submitter. Criteria: Invitae Variant Classification Sherloc (09022015). Collection method: clinical testing. Allele origin: germline.
Comment: This sequence change replaces alanine, which is neutral and non-polar, with aspartic acid, which is acidic and polar, at codon 1847 of the BRCA2 protein (p.Ala1847Asp). This variant is not present in population databases (gnomAD no frequency). This variant has not been reported in the literature in individuals affected with BRCA2-related conditions. Invitae Evidence Modeling of protein sequence and biophysical properties (such as structural, functional, and spatial information, amino acid conservation, physicochemical variation, residue mobility, and thermodynamic stability) indicates that this missense variant is not expected to disrupt BRCA2 protein function with a negative predictive value of 95%. In summary, the available evidence is currently insufficient to determine the role of this variant in disease. Therefore, it has been classified as a Variant of Uncertain Significance.